The following is an entry in ClinVar:

NM_001853.4(COL9A3):c.483C>A (p.His161Gln)

Gene: COL9A3 (collagen type IX alpha 3 chain; plus strand). Cytogenetic location: 20q13.33.
Variant type: single nucleotide variant.
Coding change: c.483C>A on transcript NM_001853.4 (MANE Select); coding-DNA position 483, C replaced by A.
Protein change: p.His161Gln; replaces histidine 161 with glutamine.
Molecular consequence: missense variant.
Genome position (GRCh38, 1-based): chr20:62,822,596, C>A. VCF-style: chr20-62822596-C-A. GRCh37 (hg19) VCF-style: chr20-61453948-C-A.
Other names: short protein forms H161Q.
Identifiers: ClinVar variation 4803130 (VCV004803130.1).

ClinVar aggregate classification (germline): Uncertain significance (1 of 4 stars; one submission).

Submission:

Labcorp Genetics (formerly Invitae), Labcorp
Classification: Uncertain significance. Last evaluated: 2025-03-26. Review status: criteria provided, single submitter. Criteria: Invitae Variant Classification Sherloc (09022015). Collection method: clinical testing. Allele origin: germline.
Comment: This sequence change replaces histidine, which is basic and polar, with glutamine, which is neutral and polar, at codon 161 of the COL9A3 protein (p.His161Gln). This variant is not present in population databases (gnomAD no frequency). This variant has not been reported in the literature in individuals affected with COL9A3-related conditions. Invitae Evidence Modeling of protein sequence and biophysical properties (such as structural, functional, and spatial information, amino acid conservation, physicochemical variation, residue mobility, and thermodynamic stability) indicates that this missense variant is not expected to disrupt COL9A3 protein function with a negative predictive value of 95%. In summary, the available evidence is currently insufficient to determine the role of this variant in disease. Therefore, it has been classified as a Variant of Uncertain Significance.